The following is an entry in ClinVar:

NM_017763.6(RNF43):c.1605G>C (p.Ser535=)

Gene: RNF43 (ring finger protein 43; minus strand). Cytogenetic location: 17q22.
Variant type: single nucleotide variant.
Coding change: c.1605G>C on transcript NM_017763.6 (MANE Select); coding-DNA position 1605, G replaced by C.
Protein change: p.Ser535=; no amino-acid change (serine 535 retained).
Molecular consequence: synonymous variant.
Genome position (GRCh38, 1-based): chr17:58,358,171, C>G on the plus strand (G>C on the coding strand, the complement: RNF43 is on the minus strand). VCF-style: chr17-58358171-C-G. GRCh37 (hg19) VCF-style: chr17-56435532-C-G.
Other names: c.1605G>C, p.Ser535= (NM_001305544.3); c.1224G>C, p.Ser408= (NM_001305545.2).
Identifiers: ClinVar variation 3946869 (VCV003946869.2).

ClinVar aggregate classification (germline): Benign/Likely benign. Review status: criteria provided, multiple submitters, no conflicts (2 of 4 stars). 2 submissions from 2 submitters: Benign (1); Likely benign (1). Last evaluated 2026-07-02.

Conditions:
Sessile serrated polyposis cancer syndrome (SSPCS). Identifiers: Orphanet 157798, MedGen C4310714, MONDO:0014919, OMIM 617108.

gnomAD v4.1: 4 of 1,612,366 alleles (0.00025%); highest among the groups gnomAD compares: Non-Finnish European, 0.00034%; no homozygotes.

Submissions (2):

Myriad Genetics, Inc.
Classification: Benign for Sessile serrated polyposis cancer syndrome. Last evaluated: 2026-07-02. Review status: criteria provided, single submitter. Criteria: Myriad Autosomal Dominant, Autosomal Recessive and X-Linked Classification Criteria (2023). Collection method: clinical testing. Allele origin: unknown.
Comment: This variant is considered benign. This variant is a silent/synonymous amino acid change and it is not expected to impact splicing.

Ambry Genetics
Classification: Likely benign. Last evaluated: 2025-04-24. Review status: criteria provided, single submitter. Criteria: Ambry Variant Classification Scheme 2023. Collection method: clinical testing. Allele origin: germline.